The following is an entry in ClinVar:

NM_005529.7(HSPG2):c.*391G>A

Genes: HSPG2 (heparan sulfate proteoglycan 2; minus strand), LDLRAD2 (low density lipoprotein receptor class A domain containing 2; plus strand). Cytogenetic location: 1p36.12.
Variant type: single nucleotide variant.
Coding change: c.*391G>A on transcript NM_005529.7 (MANE Select); 391 bases downstream of the stop codon, G replaced by A.
Molecular consequence: 3 prime UTR variant.
Genome position (GRCh38, 1-based): chr1:21,822,925, C>T on the plus strand (G>A on the coding strand, the complement: HSPG2 is on the minus strand). VCF-style: chr1-21822925-C-T. GRCh37 (hg19) VCF-style: chr1-22149418-C-T.
Other names: c.*391G>A (NM_001291860.2); c.*710C>T (NM_001013693.3).
Identifiers: ClinVar variation 876427 (VCV000876427.4), dbSNP rs146732517, ClinGen allele CA19144887.
Genomic context (GRCh38, chr1:21,822,925, plus strand): 5'-ATCCTGAGTGGGTGGCAGAGACTCCTGCGATGCCCGTCTCAGGTAGCTGTGGGGCACCAG[C>T]CCACAAGCCGAGGTTGGCTCTCCTAGGAGTGAGAACTGCCCAAGGGCTGCAGAAACAGGC-3'

ClinVar aggregate classification (germline): Likely benign. Review status: criteria provided, single submitter (1 of 4 stars). 2 submissions from 1 submitter: Likely benign (2). Last evaluated 2018-01-13.

Conditions:
Lethal Kniest-like syndrome (DDSH). Also called: Dyssegmental Dysplasia. Identifiers: Orphanet 1865, MedGen C1857100, MONDO:0009140, OMIM 224410.
Schwartz-Jampel syndrome. Also called: Myotonic myopathy dwarfism chondrodystrophy and ocular and facial abnormalities. Identifiers: Orphanet 800, MedGen C0036391, MONDO:0009717.

Allele frequency attached by ClinVar (database versions not stated): gnomAD exomes 0.00029; gnomAD 0.00256 and 0.00260; TOPMed 0.00310; 1000 Genomes Project 30x 0.00390; 1000 Genomes Project 0.00439.
gnomAD v4.1: 402 of 177,900 alleles (0.23%); highest among the groups gnomAD compares: African/African-American, 0.74%; 7 homozygotes.

Submissions (2):

Illumina Laboratory Services, Illumina
Classification: Likely benign for Lethal Kniest-like syndrome. Last evaluated: 2018-01-13. Review status: criteria provided, single submitter. Criteria: ICSL Variant Classification Criteria 13 December 2019. Collection method: clinical testing. Allele origin: germline.
Comment: This variant was observed in the ICSL laboratory as part of a predisposition screen in an ostensibly healthy population. It had not been previously curated by ICSL or reported in the Human Gene Mutation Database (HGMD: prior to June 1st, 2018), and was therefore a candidate for classification through an automated scoring system. Utilizing variant allele frequency, disease prevalence and penetrance estimates, and inheritance mode, an automated score was calculated to assess if this variant is too frequent to cause the disease. Based on the score and internal cut-off values, a variant classified as likely benign is not then subjected to further curation. The score for this variant resulted in a classification of likely benign for this disease.

Illumina Laboratory Services, Illumina
Classification: Likely benign for Schwartz-Jampel syndrome type 1. Last evaluated: 2018-01-13. Review status: criteria provided, single submitter. Criteria: ICSL Variant Classification Criteria 13 December 2019. Collection method: clinical testing. Allele origin: germline.
Comment: the same text as in the submission from Illumina Laboratory Services, Illumina above.